The following is an entry in ClinVar:

ClinVar aggregate classification (germline): Uncertain significance (1 of 4 stars; one submission).

Conditions:
Charcot-Marie-Tooth disease, type I (CMT1). Also called: Charcot-Marie-Tooth, Type 1; Charcot-Marie-Tooth disease type 1. Identifiers: Orphanet 65753, MedGen C0751036, MONDO:0019011.

Submission:

Labcorp Genetics (formerly Invitae), Labcorp
Classification: Uncertain significance for Charcot-Marie-Tooth disease, type I. Last evaluated: 2023-04-13. Review status: criteria provided, single submitter. Criteria: Invitae Variant Classification Sherloc (09022015). Collection method: clinical testing. Allele origin: germline.
Comment: This missense change has been observed in individual(s) with clinical features of Charcot-Marie-Tooth disease (Invitae). This variant disrupts the p.Val142 amino acid residue in MPZ. Other variant(s) that disrupt this residue have been observed in individuals with MPZ-related conditions (PMID: 26310628, 33179255; Invitae), which suggests that this may be a clinically significant amino acid residue. Algorithms developed to predict the effect of sequence changes on RNA splicing suggest that this variant may disrupt the consensus splice site. Advanced modeling of protein sequence and biophysical properties (such as structural, functional, and spatial information, amino acid conservation, physicochemical variation, residue mobility, and thermodynamic stability) performed at Invitae indicates that this missense variant is not expected to disrupt MPZ protein function. This variant is not present in population databases (gnomAD no frequency). This sequence change replaces valine, which is neutral and non-polar, with isoleucine, which is neutral and non-polar, at codon 142 of the MPZ protein (p.Val142Ile). In summary, the available evidence is currently insufficient to determine the role of this variant in disease. Therefore, it has been classified as a Variant of Uncertain Significance.

Literature cited by the submitters: PubMed 26310628; PubMed 33179255.

NM_000530.8(MPZ):c.424G>A (p.Val142Ile)

Gene: MPZ (myelin protein zero; minus strand). Cytogenetic location: 1q23.3.
Variant type: single nucleotide variant.
Coding change: c.424G>A on transcript NM_000530.8 (MANE Select); coding-DNA position 424, G replaced by A.
Protein change: p.Val142Ile; replaces valine 142 with isoleucine.
Molecular consequence: missense variant.
Genome position (GRCh38, 1-based): chr1:161,306,732, C>T on the plus strand (G>A on the coding strand, the complement: MPZ is on the minus strand). VCF-style: chr1-161306732-C-T. GRCh37 (hg19) VCF-style: chr1-161276522-C-T.
Other names: c.424G>A, p.Val142Ile (NM_001315491.2); short protein forms V142I.
Identifiers: ClinVar variation 2815850 (VCV002815850.3), dbSNP rs876661257, ClinGen allele CA343348440.
Genomic context (GRCh38, chr1:161,306,732, plus strand): 5'-TGCTTCCCATACCCTTGTCCCCATCCCTTCTCACACCTTTTTCAAAGACATACAGCGTGA[C>T]CTGAGAGGTCTTGCCCACTATGTCTGGAGGGTTTTTGACGTCACAAGTGAACGTGCCATT-3'
Protein context (NP_000521.2, residues 132-152): PPDIVGKTSQ[Val142Ile]TLYVFEKVPT